The following is an entry in ClinVar:

ClinVar aggregate classification (germline): Likely benign. Review status: criteria provided, multiple submitters, no conflicts (2 of 4 stars). 2 submissions from 2 submitters: Likely benign (2). Last evaluated 2026-05-06.

Conditions:
USH1C-related disorder. Also called: USH1C-related condition.

Allele frequency attached by ClinVar (database versions not stated): TOPMed below 0.00001.

Submissions (2):

PreventionGenetics, part of Exact Sciences
Classification: Likely benign for USH1C-related condition. Last evaluated: 2026-05-06. Review status: criteria provided, single submitter. Criteria: ACMG Guidelines, 2015. Collection method: clinical testing. Allele origin: germline.
Comment: This variant is classified as likely benign based on ACMG/AMP sequence variant interpretation guidelines (Richards et al. 2015 PMID: 25741868, with internal and published modifications).

Labcorp Genetics (formerly Invitae), Labcorp
Classification: Likely benign. Last evaluated: 2023-08-17. Review status: criteria provided, single submitter. Criteria: Invitae Variant Classification Sherloc (09022015). Collection method: clinical testing. Allele origin: germline.

NM_153676.4(USH1C):c.702T>A (p.Pro234=)

Gene: USH1C (USH1 protein network component harmonin; minus strand). Cytogenetic location: 11p15.1.
Variant type: single nucleotide variant.
Coding change: c.702T>A on transcript NM_153676.4 (MANE Select); coding-DNA position 702, T replaced by A.
Protein change: p.Pro234=; no amino-acid change (proline 234 retained).
Molecular consequence: synonymous variant. On other transcripts: non-coding transcript variant (1).
Genome position (GRCh38, 1-based): chr11:17,524,508, A>T on the plus strand (T>A on the coding strand, the complement: USH1C is on the minus strand). VCF-style: chr11-17524508-A-T. GRCh37 (hg19) VCF-style: chr11-17546055-A-T.
Other names: c.702T>A, p.Pro234= (NM_001297764.2, NM_005709.4); c.702T>A (NM_153676.3).
Identifiers: ClinVar variation 1106840 (VCV001106840.10), dbSNP rs1447923038, ClinGen allele CA473301869.